The following is an entry in ClinVar:

NM_005591.4(MRE11):c.845+2T>A

Gene: MRE11 (MRE11 double strand break repair nuclease; minus strand). Cytogenetic location: 11q21.
Variant type: single nucleotide variant.
Coding change: c.845+2T>A on transcript NM_005591.4 (MANE Select); the canonical splice donor site of the intron after coding-DNA position 845, T replaced by A.
Molecular consequence: splice donor variant.
Genome position (GRCh38, 1-based): chr11:94,471,572, A>T on the plus strand (T>A on the coding strand, the complement: MRE11 is on the minus strand). VCF-style: chr11-94471572-A-T. GRCh37 (hg19) VCF-style: chr11-94204738-A-T.
Other names: c.845+2T>A (NM_001330347.2, NM_005590.4).
Identifiers: ClinVar variation 140936 (VCV000140936.16), dbSNP rs587781381, ClinGen allele CA163962.

ClinVar aggregate classification (germline): Pathogenic/Likely pathogenic. Review status: criteria provided, multiple submitters, no conflicts (2 of 4 stars). 4 submissions from 4 submitters: Pathogenic (1); Likely pathogenic (3). Last evaluated 2023-11-11.

Conditions:
Ataxia-telangiectasia-like disorder (ATLD). Identifiers: MedGen C1858391, MONDO:0011457.
Hereditary cancer-predisposing syndrome. Also called: Neoplastic Syndromes, Hereditary; Tumor predisposition; Hereditary Cancer Syndrome; Hereditary neoplastic syndrome. Identifiers: Orphanet 140162, MedGen C0027672, MeSH D009386, MONDO:0015356.
Ataxia-telangiectasia-like disorder 1 (ATLD1). Identifiers: Orphanet 251347, MedGen C4012790, MONDO:0024557, OMIM 604391.

Allele frequency attached by ClinVar (database versions not stated): gnomAD exomes below 0.00001; TOPMed 0.00001.
gnomAD v4.1: 1 of 1,612,058 alleles (0.000062%); highest among the groups gnomAD compares: Admixed American, 0.0017%; no homozygotes.

Submissions (4):

Baylor Genetics
Classification: Likely pathogenic for Ataxia-telangiectasia-like disorder 1. Last evaluated: 2023-11-11. Review status: criteria provided, single submitter. Criteria: ACMG Guidelines, 2015. Collection method: clinical testing. Allele origin: unknown.

Labcorp Genetics (formerly Invitae), Labcorp
Classification: Likely pathogenic for Ataxia-telangiectasia-like disorder. Last evaluated: 2023-07-10. Review status: criteria provided, single submitter. Criteria: Invitae Variant Classification Sherloc (09022015). Collection method: clinical testing. Allele origin: germline.
Comment: In summary, the currently available evidence indicates that the variant is pathogenic, but additional data are needed to prove that conclusively. Therefore, this variant has been classified as Likely Pathogenic. Algorithms developed to predict the effect of sequence changes on RNA splicing suggest that this variant may disrupt the consensus splice site. ClinVar contains an entry for this variant (Variation ID: 140936). Disruption of this splice site has been observed in individual(s) with clinical features of hereditary cancer syndrome(s) who underwent multigene panel testing (PMID: 24763289). This variant is present in population databases (rs587781381, gnomAD 0.003%). This sequence change affects a donor splice site in intron 8 of the MRE11 gene. It is expected to disrupt RNA splicing. Variants that disrupt the donor or acceptor splice site typically lead to a loss of protein function (PMID: 16199547), and loss-of-function variants in MRE11 are known to be pathogenic (PMID: 23080121, 23912341).

Ambry Genetics
Classification: Likely pathogenic for Hereditary cancer-predisposing syndrome. Last evaluated: 2022-12-09. Review status: criteria provided, single submitter. Criteria: Ambry Variant Classification Scheme 2023. Collection method: clinical testing. Allele origin: germline.
Comment: The c.845+2T>A intronic variant results from a T to A substitution two nucleotides after coding exon 7 of the MRE11 gene. This alteration was identified in an individual who underwent hereditary cancer multi-gene panel testing (LaDuca H et al. Genet. Med., 2014 Nov;16:830-7). This nucleotide position is highly conserved in available vertebrate species. In silico splice site analysis predicts that this alteration will weaken the native splice donor site. Alterations that disrupt the canonical splice site are expected to cause aberrant splicing, resulting in an abnormal protein or a transcript that is subject to nonsense-mediated mRNA decay. As such, this alteration is classified as likely pathogenic.

Eurofins Ntd Llc (ga)
Classification: Pathogenic. Last evaluated: 2015-11-06. Review status: criteria provided, single submitter. Criteria: EGL Classification Definitions 2015. Collection method: clinical testing. Allele origin: germline. Observed: 1 variant allele, 1 heterozygote.

Literature cited by the submitters: PubMed 24763289 (cited by Labcorp Genetics (formerly Invitae), Labcorp and Ambry Genetics); PubMed 16199547 (cited by Labcorp Genetics (formerly Invitae), Labcorp); PubMed 23080121 (cited by Labcorp Genetics (formerly Invitae), Labcorp); PubMed 23912341 (cited by Labcorp Genetics (formerly Invitae), Labcorp).